The following is an entry in ClinVar:

NM_007294.4(BRCA1):c.4083G>A (p.Met1361Ile)

Genes: BRCA1 (BRCA1 DNA repair associated; minus strand), LOC126862571 (BRD4-independent group 4 enhancer GRCh37_chr17:41243136-41244335; plus strand). Cytogenetic location: 17q21.31.
Variant type: single nucleotide variant.
Coding change: c.4083G>A on transcript NM_007294.4 (MANE Select); coding-DNA position 4083, G replaced by A.
Protein change: p.Met1361Ile; replaces methionine 1361 with isoleucine.
Molecular consequence: missense variant. On other transcripts: intron variant (135).
Genome position (GRCh38, 1-based): chr17:43,091,448, C>T on the plus strand (G>A on the coding strand, the complement: BRCA1 is on the minus strand). VCF-style: chr17-43091448-C-T. GRCh37 (hg19) VCF-style: chr17-41243465-C-T.
Other names: 4202G>A; c.707-416G>A (NM_001408413.1, NM_001408416.1); c.587-416G>A (NM_001408476.1, NM_001408474.1); c.710-416G>A (NM_001408409.1, NM_001408414.1, NM_001408411.1 and 2 more transcripts); c.575-416G>A (NM_001408493.1, NM_001408490.1, NM_001408491.1); c.455-416G>A (NM_001408502.1); c.578-416G>A (NM_001408489.1, NM_001408479.1, NM_001408482.1 and 9 more transcripts); c.662-416G>A (NM_001408445.1, NM_001408432.1, NM_001408450.1 and 6 more transcripts); and 42 more; short protein forms M1361I, M1314I, M1065I, M1272I, M1273I, M1291I, M1294I, M1320I.
Identifiers: ClinVar variation 37564 (VCV000037564.26), dbSNP rs374192364, ClinGen allele CA002610.

ClinVar aggregate classification (germline): Conflicting classifications of pathogenicity. Review status: criteria provided, conflicting classifications (1 of 4 stars). 8 submissions from 8 submitters: Uncertain significance (5); Likely benign (1). 2 of the submissions do not count toward it. Last evaluated 2026-06-15.

Conditions:
Hereditary cancer-predisposing syndrome. Also called: Tumor predisposition; Hereditary Cancer Syndrome; Hereditary neoplastic syndrome; Neoplastic Syndromes, Hereditary. Identifiers: Orphanet 140162, MedGen C0027672, MeSH D009386, MONDO:0015356.
Hereditary breast ovarian cancer syndrome. Also called: Hereditary breast and ovarian cancer; Breast and ovarian cancer; BRCA1- and BRCA2-Associated Hereditary Breast and Ovarian Cancer; Hereditary breast and/or ovarian cancer syndrome; Hereditary breast and ovarian cancer syndrome (HBOC); Hereditary breast and ovarian cancer syndrome. Identifiers: Orphanet 145, MedGen C0677776, MeSH D061325, MONDO:0003582. Disease mechanism: loss of function.
Breast-ovarian cancer, familial, susceptibility to, 1 (BROVCA1). Also called: OVARIAN CANCER, SUSCEPTIBILITY TO; BRCA1 Hereditary Breast and Ovarian Cancer. Identifiers: Orphanet 145, MedGen C2676676, MONDO:0011450, OMIM 604370. Disease mechanism: loss of function.
Malignant tumor of breast. Also called: Cancer breast; Malignant breast neoplasm. Identifiers: MedGen C0006142, MONDO:0007254. Disease mechanism: loss of function.

Allele frequency attached by ClinVar (database versions not stated): ESP Exome Variant Server 0.00008; TOPMed below 0.00001; ExAC 0.00001; gnomAD exomes below 0.00001.

Submissions (8):

Ambry Genetics
Classification: Uncertain significance for Hereditary cancer-predisposing syndrome. Last evaluated: 2026-06-15. Review status: criteria provided, single submitter. Criteria: Ambry Variant Classification Scheme 2023. Collection method: clinical testing. Allele origin: germline.
Comment: The c.4083G>A variant (also known as p.M1361I), located in coding exon 9 of the BRCA1 gene, results from a G to A substitution at nucleotide position 4083. The methionine at codon 1361 is replaced by isoleucine, an amino acid with highly similar properties. This nucleotide position is well conserved in available vertebrate species. This amino acid position is poorly conserved in available vertebrate species. In silico splice site analysis predicts that this alteration may weaken the native splice donor site; however, direct evidence is insufficient at this time (Ambry internal data). In addition, as a missense this alteration is predicted to be tolerated by in silico analysis. Based on the available evidence, the clinical significance of this variant remains unclear.

Color Diagnostics, LLC DBA Color Health
Classification: Uncertain significance for Hereditary cancer-predisposing syndrome. Last evaluated: 2025-06-23. Review status: criteria provided, single submitter. Criteria: ACMG Guidelines, 2015. Collection method: clinical testing. Allele origin: germline.
Comment: This missense variant replaces methionine with isoleucine at codon 1361 of the BRCA1 protein. Computational prediction suggests that this variant may not impact protein structure and function. To our knowledge, functional studies have not been reported for this variant. This variant has not been reported in individuals affected with BRCA1-related disorders in the literature. This variant has been identified in 1/250760 chromosomes in the general population by the Genome Aggregation Database (gnomAD). The available evidence is insufficient to determine the role of this variant in disease conclusively. Therefore, this variant is classified as a Variant of Uncertain Significance.

Labcorp Genetics (formerly Invitae), Labcorp
Classification: Uncertain significance for Hereditary breast ovarian cancer syndrome. Last evaluated: 2024-08-18. Review status: criteria provided, single submitter. Criteria: Invitae Variant Classification Sherloc (09022015). Collection method: clinical testing. Allele origin: germline.
Comment: This sequence change replaces methionine, which is neutral and non-polar, with isoleucine, which is neutral and non-polar, at codon 1361 of the BRCA1 protein (p.Met1361Ile). This variant is present in population databases (rs374192364, gnomAD no frequency). This variant has not been reported in the literature in individuals affected with BRCA1-related conditions. ClinVar contains an entry for this variant (Variation ID: 37564). Invitae Evidence Modeling of protein sequence and biophysical properties (such as structural, functional, and spatial information, amino acid conservation, physicochemical variation, residue mobility, and thermodynamic stability) indicates that this missense variant is not expected to disrupt BRCA1 protein function with a negative predictive value of 95%. Studies have shown that this missense change is associated with inconclusive levels of altered splicing (Invitae). In summary, the available evidence is currently insufficient to determine the role of this variant in disease. Therefore, it has been classified as a Variant of Uncertain Significance.

University of Washington Department of Laboratory Medicine, University of Washington
Classification: Likely benign for Hereditary cancer-predisposing syndrome. Last evaluated: 2023-03-23. Review status: criteria provided, single submitter. Criteria: Dines et al. (Genet Med. 2020). Collection method: curation. Allele origin: germline.
Comment: Missense variant in a coldspot region where missense variants are very unlikely to be pathogenic (PMID:31911673).

BRCA1 coldspot (exon 11 using historical exon numbering). Reclassification based on statistical prior probability

Genetic Services Laboratory, University of Chicago
Classification: Uncertain significance. Last evaluated: 2018-05-23. Review status: criteria provided, single submitter. Criteria: ACMG Guidelines, 2015. Collection method: clinical testing. Allele origin: germline. Affected: no.

GeneDx
Classification: Uncertain significance. Last evaluated: 2016-06-08. Review status: criteria provided, single submitter. Criteria: GeneDx Variant Classification (06012015). Collection method: clinical testing. Allele origin: germline. Affected: yes.
Comment: This variant is denoted BRCA1 c.4083G>A at the cDNA level, p.Met1361Ile (M1361I) at the protein level, and results in the change of a Methionine to an Isoleucine (ATG>ATA). Using alternate nomenclature, this variant would be defined as BRCA1 4202G>A. This variant has been observed in at least one individual with ovarian cancer (Alsop 2012). BRCA1 Met1361Ile was not observed at a significant allele frequency in the NHLBI Exome Sequencing Project. Since Methionine and Isoleucine share similar properties, this is considered a conservative amino acid substitution. BRCA1 Met1361Ile occurs at a position that is not conserved and is located within the SCD domain and a region known to interact with multiple proteins (Narod 2004, Clark 2012, Paul 2014). In silico analyses predict that this variant is unlikely to alter protein structure or function. Based on currently available evidence, it is unclear whether BRCA1 Met1361Ile is a pathogenic or benign variant. We consider it to be a variant of uncertain significance.

Sharing Clinical Reports Project (SCRP)
Classification: Uncertain significance for Breast-ovarian cancer, familial 1. Last evaluated: 2011-03-16. Review status: no assertion criteria provided. Collection method: clinical testing. Allele origin: germline. Not counted in ClinVar's aggregate classification.

Department of Pathology and Laboratory Medicine, Sinai Health System
Classification: Uncertain significance for Malignant tumor of breast. Review status: no assertion criteria provided. Collection method: clinical testing. Allele origin: unknown. Affected: yes. Observed: 1 variant allele. Study: The Canadian Open Genetics Repository (COGR). Not counted in ClinVar's aggregate classification.
Comment: The p.Met1361Ile variant has not been previously reported in the literature nor by our laboratory. The p.Met1361 residue is not conserved in mammals and other species and in-silico or computational analyses (PolyPhen, SIFT and AlignGVGD) do not suggest a high likelihood of impact to the protein, but this information is not predictive enough to rule out pathogenicity. In summary, based on the current information presented above, this variant is classified as Variant of Unknown Significance (VUS).